The following is an entry in ClinVar:

NM_001429.4(EP300):c.2981C>T (p.Pro994Leu)

Genes: EP300 (EP300 lysine acetyltransferase; plus strand), LOC126863158 (BRD4-independent group 4 enhancer GRCh37_chr22:41547383-41548582; plus strand). Cytogenetic location: 22q13.2.
Variant type: single nucleotide variant.
Coding change: c.2981C>T on transcript NM_001429.4 (MANE Select); coding-DNA position 2981, C replaced by T.
Protein change: p.Pro994Leu; replaces proline 994 with leucine.
Molecular consequence: missense variant.
Genome position (GRCh38, 1-based): chr22:41,151,996, C>T. VCF-style: chr22-41151996-C-T. GRCh37 (hg19) VCF-style: chr22-41548000-C-T.
Other names: c.2903C>T, p.Pro968Leu (NM_001362843.2); short protein forms P968L, P994L.
Identifiers: ClinVar variation 3031130 (VCV003031130.5), dbSNP rs764485471, ClinGen allele CA10253004.
Genomic context (GRCh38, chr22:41,151,996, plus strand): 5'-AGGAAGTGAAGATGGAGGCCAAAATGGAAGTGGATCAACCAGAACCAGCAGATACTCAGC[C>T]GGAGGATATTTCAGAGGTGAGAGTAGGGCAATTACTGTTTGATTTGGTTAGGACCTCAGT-3'
Protein context (NP_001420.2, residues 984-1004): VDQPEPADTQ[Pro994Leu]EDISESKVED

ClinVar aggregate classification (germline): Conflicting classifications of pathogenicity. Review status: criteria provided, conflicting classifications (1 of 4 stars). 2 submissions from 2 submitters: Uncertain significance (1); Benign (1). Last evaluated 2026-06-03.

Conditions:
Rubinstein-Taybi syndrome due to EP300 haploinsufficiency. Also called: EP300-Related Rubinstein-Taybi Syndrome; RUBINSTEIN-TAYBI SYNDROME 2. Identifiers: Orphanet 353284, Orphanet 783, MedGen C3150941, MONDO:0013364, OMIM 613684.
EP300-related disorder. Also called: EP300-related condition; EP300-related disorders.

Allele frequency attached by ClinVar (database versions not stated): gnomAD exomes 0.00001; ExAC 0.00002.
gnomAD v4.1: 11 of 1,613,926 alleles (0.00068%); highest among the groups gnomAD compares: Admixed American, 0.0033%; no homozygotes.

Submissions (2):

PreventionGenetics, part of Exact Sciences
Classification: Uncertain significance for EP300-related condition. Last evaluated: 2026-06-03. Review status: criteria provided, single submitter. Criteria: ACMG Guidelines, 2015. Collection method: clinical testing. Allele origin: germline.
Comment: The EP300 c.2981C>T variant is predicted to result in the amino acid substitution p.Pro994Leu. To our knowledge, this variant has not been reported in the literature. This variant is reported in 0.0029% of alleles in individuals of Latino descent in gnomAD. At this time, the clinical significance of this variant is uncertain due to the absence of conclusive functional and genetic evidence.

Labcorp Genetics (formerly Invitae), Labcorp
Classification: Benign for Rubinstein-Taybi syndrome due to EP300 haploinsufficiency. Last evaluated: 2024-05-26. Review status: criteria provided, single submitter. Criteria: Invitae Variant Classification Sherloc (09022015). Collection method: clinical testing. Allele origin: germline.